The following is an entry in ClinVar:

ClinVar aggregate classification (germline): Uncertain significance (1 of 4 stars; one submission).

Conditions:
Primary ciliary dyskinesia. Also called: Ciliary dyskinesia. Identifiers: Orphanet 244, MedGen C0008780, MONDO:0016575, HP:0012265.

Submission:

Labcorp Genetics (formerly Invitae), Labcorp
Classification: Uncertain significance for Primary ciliary dyskinesia. Last evaluated: 2022-11-08. Review status: criteria provided, single submitter. Criteria: Invitae Variant Classification Sherloc (09022015). Collection method: clinical testing. Allele origin: germline.
Comment: This variant has not been reported in the literature in individuals affected with RPGR (ORF15)-related conditions. In summary, the available evidence is currently insufficient to determine the role of this variant in disease. Therefore, it has been classified as a Variant of Uncertain Significance. Advanced modeling of protein sequence and biophysical properties (such as structural, functional, and spatial information, amino acid conservation, physicochemical variation, residue mobility, and thermodynamic stability) performed at Invitae indicates that this missense variant is not expected to disrupt RPGR (ORF15) protein function. The frequency data for this variant in the population databases is considered unreliable, as metrics indicate insufficient coverage at this position in the gnomAD database. This sequence change replaces glutamic acid, which is acidic and polar, with lysine, which is basic and polar, at codon 952 of the RPGR (ORF15) protein (p.Glu952Lys).

NM_001034853.2(RPGR):c.2854G>A (p.Glu952Lys)

Gene: RPGR (retinitis pigmentosa GTPase regulator; minus strand). Cytogenetic location: Xp11.4.
Variant type: single nucleotide variant.
Coding change: c.2854G>A on transcript NM_001034853.2 (MANE Select); coding-DNA position 2854, G replaced by A.
Protein change: p.Glu952Lys; replaces glutamic acid 952 with lysine.
Molecular consequence: missense variant. On other transcripts: intron variant (8).
Genome position (GRCh38, 1-based): chrX:38,286,145, C>T on the plus strand (G>A on the coding strand, the complement: RPGR is on the minus strand). VCF-style: chrX-38286145-C-T. GRCh37 (hg19) VCF-style: chrX-38145398-C-T.
Other names: c.1569+4814G>A (NM_001367249.1, NM_001367250.1); c.1902+949G>A (NM_001367245.1); c.1386+4814G>A (NM_001367251.1); c.1719+949G>A (NM_001367246.1); c.1572+4814G>A (NM_001367247.1); c.1905+949G>A (NM_000328.3); c.1602+4814G>A (NM_001367248.1); short protein forms E952K.
Identifiers: ClinVar variation 2986273 (VCV002986273.3), dbSNP rs2519786005, ClinGen allele CA412729619.
Genomic context (GRCh38, chrX:38,286,145, plus strand): 5'-CTTCTCCTTCCTCTTCCCCCTCCCCTTCTCCTTCCTCCTCTTCCCCCTCCCATTCTCCTT[C>T]CTCCTCTTCCCCCTCCCCTTCTCCATCCTCCCCTTCCCCTTCTCCTTCCTCCTCTTCCCC-3'
Protein context (NP_001030025.1, residues 942-962): EDGEGEGEEE[Glu952Lys]GEWEGEEEEG